The following is an entry in ClinVar:

NM_001374736.1(DST):c.22975A>T (p.Thr7659Ser)

Gene: DST (dystonin; minus strand). Cytogenetic location: 6p12.1.
Variant type: single nucleotide variant.
Coding change: c.22975A>T on transcript NM_001374736.1 (MANE Select); coding-DNA position 22975, A replaced by T.
Protein change: p.Thr7659Ser; replaces threonine 7659 with serine.
Molecular consequence: missense variant. On other transcripts: intron variant (2).
Genome position (GRCh38, 1-based): chr6:56,463,141, T>A on the plus strand (A>T on the coding strand, the complement: DST is on the minus strand). VCF-style: chr6-56463141-T-A. GRCh37 (hg19) VCF-style: chr6-56327939-T-A.
Other names: c.16546A>T, p.Thr5516Ser (NM_001144769.5); c.16132A>T, p.Thr5378Ser (NM_001144770.2); c.22903A>T, p.Thr7635Ser (NM_001374722.1); c.22930A>T, p.Thr7644Ser (NM_001374734.1); c.15994A>T, p.Thr5332Ser (NM_001386100.1); c.15034A>T, p.Thr5012Ser (NM_015548.5); c.16012A>T, p.Thr5338Ser (NM_183380.4); c.15741+424A>T (NM_001374730.1); and 1 more; short protein forms T5332S, T7644S, T5012S, T5338S, T5378S, T7635S, T5516S, T7659S.
Identifiers: ClinVar variation 2015660 (VCV002015660.4), dbSNP rs2533269977, ClinGen allele CA364504668.

ClinVar aggregate classification (germline): Uncertain significance (1 of 4 stars; one submission).

Conditions:
Epidermolysis bullosa simplex 3, localized or generalized intermediate, with BP230 deficiency (EBS3). Also called: Epidermolysis bullosa simplex, autosomal recessive 2; Epidermolysis bullosa simplex due to BP230 deficiency. Identifiers: Orphanet 412181, MedGen C3809470, MONDO:0014180, OMIM 615425.
Hereditary sensory and autonomic neuropathy type 6. Also called: HSAN VI; Neuropathy, hereditary sensory and autonomic, type VI. Identifiers: Orphanet 314381, MedGen C3539003, MONDO:0013839, OMIM 614653.

Submission:

Labcorp Genetics (formerly Invitae), Labcorp
Classification: Uncertain significance for Epidermolysis bullosa simplex 3, localized or generalized intermediate, with BP230 deficiency; Hereditary sensory and autonomic neuropathy type 6. Last evaluated: 2022-07-10. Review status: criteria provided, single submitter. Criteria: Invitae Variant Classification Sherloc (09022015). Collection method: clinical testing. Allele origin: germline.
Comment: The DST gene has multiple clinically relevant transcripts. This variant occurs in alternate transcript NM_015548.4, and corresponds to NM_001723.5:c.*152376A>T in the primary transcript. In summary, the available evidence is currently insufficient to determine the role of this variant in disease. Therefore, it has been classified as a Variant of Uncertain Significance. Experimental studies and prediction algorithms are not available or were not evaluated, and the functional significance of this variant is currently unknown. This variant has not been reported in the literature in individuals affected with DST-related conditions. This variant is not present in population databases (gnomAD no frequency). This sequence change replaces threonine, which is neutral and polar, with serine, which is neutral and polar, at codon 5012 of the DST protein (p.Thr5012Ser).